The following is an entry in ClinVar:

ClinVar aggregate classification (germline): Benign. Review status: criteria provided, multiple submitters, no conflicts (2 of 4 stars). 7 submissions from 7 submitters: Benign (6). 1 of the submissions does not count toward it. Last evaluated 2025-11-14.

Conditions:
FRAXE. Also called: Intellectual developmental disorder, X-linked 109; FRAXE intellectual disability; FRAXE Syndrome; Fragile XE syndrome; Intellectual disability, X-linked, FRAXE type. Identifiers: Orphanet 100973, MedGen C0751157, MONDO:0010659, OMIM 309548. Disease mechanism: loss of function.

Allele frequency attached by ClinVar (database versions not stated): ESP Exome Variant Server 0.93506; TOPMed 0.94324; 1000 Genomes Project 30x 0.95151; 1000 Genomes Project 0.95417; gnomAD 0.95464; ExAC 0.98291; gnomAD exomes 0.98553.

Submissions (7):

Women's Health and Genetics/Laboratory Corporation of America, LabCorp
Classification: Benign. Last evaluated: 2025-11-14. Review status: criteria provided, single submitter. Criteria: LabCorp Variant Classification Summary - May 2015. Collection method: clinical testing. Allele origin: germline.

Labcorp Genetics (formerly Invitae), Labcorp
Classification: Benign. Last evaluated: 2025-08-06. Review status: criteria provided, single submitter. Criteria: Invitae Variant Classification Sherloc (09022015). Collection method: clinical testing. Allele origin: germline.

Blueprint Genetics
Classification: Benign. Last evaluated: 2024-11-28. Review status: criteria provided, single submitter. Criteria: ACMG Guidelines, 2015. Collection method: clinical testing. Allele origin: germline.

Genome-Nilou Lab
Classification: Benign for FRAXE. Last evaluated: 2021-07-14. Review status: criteria provided, single submitter. Criteria: ACMG Guidelines, 2015. Collection method: clinical testing. Allele origin: germline. Affected: no.

Eurofins Ntd Llc (ga)
Classification: Benign. Last evaluated: 2016-06-21. Review status: criteria provided, single submitter. Criteria: EGL Classification Definitions 2015. Collection method: clinical testing. Allele origin: germline. Observed: 3 variant alleles, 2 homozygotes, 1 hemizygote.

Breakthrough Genomics
Classification: Benign. Review status: criteria provided, single submitter. Criteria: ACMG Guidelines, 2015. Collection method: not provided. Allele origin: germline. Inheritance: X-linked inheritance. Affected: yes.

Genetic Services Laboratory, University of Chicago
Classification: Likely benign for AllHighlyPenetrant. Review status: no assertion criteria provided. Collection method: clinical testing. Allele origin: germline. Inheritance: X-linked inheritance. Not counted in ClinVar's aggregate classification.
Comment: Likely benign based on allele frequency in 1000 Genomes Project or ESP global frequency and its presence in a patient with a rare or unrelated disease phenotype. NOT Sanger confirmed.

NM_002025.4(AFF2):c.3404+7A>G

Gene: AFF2 (ALF transcription elongation factor 2; plus strand). Cytogenetic location: Xq28.
Variant type: single nucleotide variant.
Coding change: c.3404+7A>G on transcript NM_002025.4 (MANE Select); 7 bases into the intron after coding-DNA position 3404, A replaced by G.
Molecular consequence: intron variant.
Genome position (GRCh38, 1-based): chrX:148,973,614, A>G. VCF-style: chrX-148973614-A-G. GRCh37 (hg19) VCF-style: chrX-148055144-A-G.
Other names: c.3299+7A>G (NM_001169124.2, NM_001169122.2); c.3374+7A>G (NM_001169123.2); c.3287+7A>G (NM_001169125.2); c.2327+7A>G (NM_001170628.1).
Identifiers: ClinVar variation 94028 (VCV000094028.15), dbSNP rs5980615, ClinGen allele CA147548.
Genomic context (GRCh38, chrX:148,973,614, plus strand): 5'-TCTGGAAGCAAAGTCCCCATACACCATGTACTCTGAGACTGTGGAGCTCCTCAGGTGAAT[A>G]GCCTTTCTGCAATCATCTTCCTACACTCATTTCAGCTAGAATTAGAAGCTATGTTTTAAA-3'